The following is an entry in ClinVar:

NM_002878.4(RAD51D):c.51C>G (p.Ile17Met)

Genes: RAD51L3-RFFL (RAD51L3-RFFL readthrough; minus strand), RAD51D (RAD51 paralog D; minus strand). Cytogenetic location: 17q12.
Variant type: single nucleotide variant.
Coding change: c.51C>G on transcript NM_002878.4 (MANE Select); coding-DNA position 51, C replaced by G.
Protein change: p.Ile17Met; replaces isoleucine 17 with methionine.
Molecular consequence: missense variant. On other transcripts: non-coding transcript variant (2).
Genome position (GRCh38, 1-based): chr17:35,119,563, G>C on the plus strand (C>G on the coding strand, the complement: RAD51D is on the minus strand). VCF-style: chr17-35119563-G-C. GRCh37 (hg19) VCF-style: chr17-33446582-G-C.
Other names: c.51C>G, p.Ile17Met (NM_001142571.2, NM_133629.3); short protein forms I17M.
Identifiers: ClinVar variation 2807465 (VCV002807465.3), dbSNP rs769903986, ClinGen allele CA399092403.

ClinVar aggregate classification (germline): Uncertain significance (1 of 4 stars; one submission).

Conditions:
Breast-ovarian cancer, familial, susceptibility to, 4. Identifiers: Orphanet 145, MedGen C3280345, MONDO:0013669, OMIM 614291.

Submission:

Labcorp Genetics (formerly Invitae), Labcorp
Classification: Uncertain significance for Breast-ovarian cancer, familial, susceptibility to, 4. Last evaluated: 2023-08-05. Review status: criteria provided, single submitter. Criteria: Invitae Variant Classification Sherloc (09022015). Collection method: clinical testing. Allele origin: germline.
Comment: This sequence change replaces isoleucine, which is neutral and non-polar, with methionine, which is neutral and non-polar, at codon 17 of the RAD51D protein (p.Ile17Met). This variant is not present in population databases (gnomAD no frequency). This variant has not been reported in the literature in individuals affected with RAD51D-related conditions. An algorithm developed to predict the effect of missense changes on protein structure and function (PolyPhen-2) suggests that this variant is likely to be tolerated. In summary, the available evidence is currently insufficient to determine the role of this variant in disease. Therefore, it has been classified as a Variant of Uncertain Significance.